The following is an entry in ClinVar:

ClinVar aggregate classification (germline): Uncertain significance (1 of 4 stars; one submission).

Submission:

GeneDx
Classification: Uncertain significance. Last evaluated: 2024-01-17. Review status: criteria provided, single submitter. Criteria: GeneDx Variant Classification Process June 2021. Collection method: clinical testing. Allele origin: germline. Affected: yes.
Comment: Has not been previously published as pathogenic or benign to our knowledge; Not observed at significant frequency in large population cohorts (gnomAD); Canonical splice site variant in a gene for which loss-of-function is not a known mechanism of disease

NM_020774.4(MIB1):c.1963-1_1967del

Gene: MIB1 (MIB E3 ubiquitin protein ligase 1; plus strand). Cytogenetic location: 18q11.2.
Variant type: Deletion.
Coding change: c.1963-1_1967del on transcript NM_020774.4 (MANE Select); the canonical splice acceptor site of the intron before coding-DNA position 1963 through coding-DNA position 1967, 6 bases deleted (GGGTAA; older notation c.1963-1_1967delGGGTAA).
Molecular consequence: splice acceptor variant.
Genome position (GRCh38, 1-based): chr18:21,843,130-21,843,135, GGGTAA deleted; deleting any 6 consecutive bases within chr18:21,843,129-21,843,135 gives the same sequence; the c. name uses the placement nearest the transcript's 3' end. VCF-style (leftmost placement, unchanged base first): chr18-21843128-CAGGGTA-C. GRCh37 (hg19) VCF-style: chr18-19423089-CAGGGTA-C.
Identifiers: ClinVar variation 3367710 (VCV003367710.1).